The following is an entry in ClinVar:

ClinVar aggregate classification (germline): Uncertain significance (1 of 4 stars; one submission).

Conditions:
Hereditary cancer-predisposing syndrome. Also called: Neoplastic Syndromes, Hereditary; Tumor predisposition; Hereditary Cancer Syndrome; Hereditary neoplastic syndrome. Identifiers: Orphanet 140162, MedGen C0027672, MeSH D009386, MONDO:0015356.

Submission:

Color Diagnostics, LLC DBA Color Health
Classification: Uncertain significance for Hereditary cancer-predisposing syndrome. Last evaluated: 2024-05-03. Review status: criteria provided, single submitter. Criteria: ACMG Guidelines, 2015. Collection method: clinical testing. Allele origin: germline.
Comment: This missense variant replaces lysine with asparagine at codon 890 of the BRIP1 protein. Computational prediction suggests that this variant may not impact protein structure and function. To our knowledge, functional studies have not been reported for this variant. This variant has not been reported in individuals affected with BRIP1-related disorders in the literature. This variant has not been identified in the general population by the Genome Aggregation Database (gnomAD). The available evidence is insufficient to determine the role of this variant in disease conclusively. Therefore, this variant is classified as a Variant of Uncertain Significance.

NM_032043.3(BRIP1):c.2670A>T (p.Lys890Asn)

Gene: BRIP1 (BRCA1 interacting DNA helicase 1; minus strand). Cytogenetic location: 17q23.2.
Variant type: single nucleotide variant.
Coding change: c.2670A>T on transcript NM_032043.3 (MANE Select); coding-DNA position 2670, A replaced by T.
Protein change: p.Lys890Asn; replaces lysine 890 with asparagine.
Molecular consequence: missense variant.
Genome position (GRCh38, 1-based): chr17:61,686,071, T>A on the plus strand (A>T on the coding strand, the complement: BRIP1 is on the minus strand). VCF-style: chr17-61686071-T-A. GRCh37 (hg19) VCF-style: chr17-59763432-T-A.
Other names: short protein forms K890N.
Identifiers: ClinVar variation 3893730 (VCV003893730.1).